The following is an entry in ClinVar:

NM_000094.4(COL7A1):c.7440+5G>A

Gene: COL7A1 (collagen type VII alpha 1 chain; minus strand). Cytogenetic location: 3p21.31.
Variant type: single nucleotide variant.
Coding change: c.7440+5G>A on transcript NM_000094.4 (MANE Select); 5 bases into the intron after coding-DNA position 7440, G replaced by A.
Molecular consequence: intron variant.
Genome position (GRCh38, 1-based): chr3:48,570,270, C>T on the plus strand (G>A on the coding strand, the complement: COL7A1 is on the minus strand). VCF-style: chr3-48570270-C-T. GRCh37 (hg19) VCF-style: chr3-48607703-C-T.
Identifiers: ClinVar variation 2050140 (VCV002050140.1), dbSNP rs928106965, ClinGen allele CA73974117.

ClinVar aggregate classification (germline): Uncertain significance (1 of 4 stars; one submission).

Allele frequency attached by ClinVar (database versions not stated): TOPMed below 0.00001.

Submission:

Labcorp Genetics (formerly Invitae), Labcorp
Classification: Uncertain significance. Last evaluated: 2022-01-20. Review status: criteria provided, single submitter. Criteria: Invitae Variant Classification Sherloc (09022015). Collection method: clinical testing. Allele origin: germline.
Comment: This sequence change falls in intron 97 of the COL7A1 gene. It does not directly change the encoded amino acid sequence of the COL7A1 protein. It affects a nucleotide within the consensus splice site. This variant is not present in population databases (gnomAD no frequency). This variant has not been reported in the literature in individuals affected with COL7A1-related conditions. Variants that disrupt the consensus splice site are a relatively common cause of aberrant splicing (PMID: 17576681, 9536098). Algorithms developed to predict the effect of sequence changes on RNA splicing suggest that this variant may disrupt the consensus splice site. In summary, the available evidence is currently insufficient to determine the role of this variant in disease. Therefore, it has been classified as a Variant of Uncertain Significance.

Literature cited by the submitters: PubMed 17576681; PubMed 9536098.